The following is an entry in ClinVar:

NM_006892.4(DNMT3B):c.331G>A (p.Val111Ile)

Gene: DNMT3B (DNA methyltransferase 3 beta; plus strand). Cytogenetic location: 20q11.21.
Variant type: single nucleotide variant.
Coding change: c.331G>A on transcript NM_006892.4 (MANE Select); coding-DNA position 331, G replaced by A.
Protein change: p.Val111Ile; replaces valine 111 with isoleucine.
Molecular consequence: missense variant. On other transcripts: intron variant (2).
Genome position (GRCh38, 1-based): chr20:32,786,526, G>A. VCF-style: chr20-32786526-G-A. GRCh37 (hg19) VCF-style: chr20-31374332-G-A.
Other names: c.331G>A, p.Val111Ile (NM_175848.2, NM_175849.2); c.367G>A, p.Val123Ile (NM_175850.3); c.307-704G>A (NM_001207055.2); c.205-704G>A (NM_001207056.2); short protein forms V111I, V123I.
Identifiers: ClinVar variation 656430 (VCV000656430.6), dbSNP rs534208434, ClinGen allele CA313184470.

ClinVar aggregate classification (germline): Uncertain significance (1 of 4 stars; one submission).

Conditions:
Centromeric instability of chromosomes 1,9 and 16 and immunodeficiency (ICF1). Also called: Immunodeficiency-centromeric instability-facial anomalies; IMMUNE DEFICIENCY, VARIABLE, WITH CENTROMERIC INSTABILITY OF CHROMOSOMES 1, 9, AND 16; IMMUNODEFICIENCY SYNDROME, VARIABLE; CENTROMERIC INSTABILITY, IMMUNODEFICIENCY SYNDROME. Identifiers: Orphanet 2268, MedGen C0398788, MONDO:0000133.

Allele frequency attached by ClinVar (database versions not stated): gnomAD 0.00001.
gnomAD v4.1: 19 of 1,613,920 alleles (0.0012%); highest among the groups gnomAD compares: Middle Eastern, 0.033%; no homozygotes.

Submission:

Labcorp Genetics (formerly Invitae), Labcorp
Classification: Uncertain significance for Centromeric instability of chromosomes 1,9 and 16 and immunodeficiency. Last evaluated: 2023-11-18. Review status: criteria provided, single submitter. Criteria: Invitae Variant Classification Sherloc (09022015). Collection method: clinical testing. Allele origin: germline.
Comment: This sequence change replaces valine, which is neutral and non-polar, with isoleucine, which is neutral and non-polar, at codon 111 of the DNMT3B protein (p.Val111Ile). This variant is present in population databases (no rsID available, gnomAD 0.009%). This variant has not been reported in the literature in individuals affected with DNMT3B-related conditions. ClinVar contains an entry for this variant (Variation ID: 656430). An algorithm developed to predict the effect of missense changes on protein structure and function (PolyPhen-2) suggests that this variant¬†is likely to be tolerated. In summary, the available evidence is currently insufficient to determine the role of this variant in disease. Therefore, it has been classified as a Variant of Uncertain Significance.